The following is an entry in ClinVar:

NM_002430.3(MN1):c.687C>T (p.Asp229=)

Gene: MN1 (MN1 proto-oncogene, transcriptional regulator; minus strand). Cytogenetic location: 22q12.1.
Variant type: single nucleotide variant.
Coding change: c.687C>T on transcript NM_002430.3 (MANE Select); coding-DNA position 687, C replaced by T.
Protein change: p.Asp229=; no amino-acid change (aspartic acid 229 retained).
Molecular consequence: synonymous variant.
Genome position (GRCh38, 1-based): chr22:27,799,857, G>A on the plus strand (C>T on the coding strand, the complement: MN1 is on the minus strand). VCF-style: chr22-27799857-G-A. GRCh37 (hg19) VCF-style: chr22-28195845-G-A.
Identifiers: ClinVar variation 3898409 (VCV003898409.7).

ClinVar aggregate classification (germline): Likely benign (1 of 4 stars; one submission).

Submission:

CeGaT Center for Human Genetics Tuebingen
Classification: Likely benign. Last evaluated: 2025-04-01. Review status: criteria provided, single submitter. Criteria: CeGaT Center For Human Genetics Tuebingen Variant Classification Criteria Version 2. Collection method: clinical testing. Allele origin: germline. Affected: yes. Observed: 1 variant allele.
Comment: MN1: PM2:Supporting, BP4, BP7